The following is an entry in ClinVar:

NM_022725.4(FANCF):c.1114A>G (p.Ser372Gly)

Gene: FANCF (FA complementation group F; minus strand). Cytogenetic location: 11p14.3.
Variant type: single nucleotide variant.
Coding change: c.1114A>G on transcript NM_022725.4 (MANE Select); coding-DNA position 1114, A replaced by G.
Protein change: p.Ser372Gly; replaces serine 372 with glycine.
Molecular consequence: missense variant.
Genome position (GRCh38, 1-based): chr11:22,624,697, T>C on the plus strand (A>G on the coding strand, the complement: FANCF is on the minus strand). VCF-style: chr11-22624697-T-C. GRCh37 (hg19) VCF-style: chr11-22646243-T-C.
Other names: short protein forms S372G.
Identifiers: ClinVar variation 1480779 (VCV001480779.5), dbSNP rs760590516, ClinGen allele CA5924190.
Genomic context (GRCh38, chr11:22,624,697, plus strand): 5'-TCATTTTGTAAACTATATATTCTATATTCAAGTAATAACACAGCATTGCCTATACAGAAC[T>C]GAGGCCTGCGCTGAGACCCAAAACTTGTCTTTTCCTAAATGCACCACTACGAAGAGCTAA-3'
Protein context (NP_073562.1, residues 362-374): RQVLGLSAGL[Ser372Gly]SV

ClinVar aggregate classification (germline): Uncertain significance (1 of 4 stars; one submission).

Conditions:
Fanconi anemia (FA). Also called: Fanconi's anemia. Identifiers: Orphanet 84, MedGen C0015625, MeSH D005199, MONDO:0019391.

Allele frequency attached by ClinVar (database versions not stated): ExAC 0.00001; gnomAD exomes below 0.00001; TOPMed 0.00001; gnomAD 0.00001.
gnomAD v4.1: 3 of 1,614,012 alleles (0.00019%); highest among the groups gnomAD compares: African/African-American, 0.004%; no homozygotes.

Submission:

Labcorp Genetics (formerly Invitae), Labcorp
Classification: Uncertain significance for Fanconi anemia. Last evaluated: 2022-08-09. Review status: criteria provided, single submitter. Criteria: Invitae Variant Classification Sherloc (09022015). Collection method: clinical testing. Allele origin: germline.
Comment: This sequence change replaces serine, which is neutral and polar, with glycine, which is neutral and non-polar, at codon 372 of the FANCF protein (p.Ser372Gly). This variant is present in population databases (rs760590516, gnomAD 0.008%). This variant has not been reported in the literature in individuals affected with FANCF-related conditions. ClinVar contains an entry for this variant (Variation ID: 1480779). Algorithms developed to predict the effect of missense changes on protein structure and function output the following: SIFT: "Tolerated"; PolyPhen-2: "Possibly Damaging"; Align-GVGD: "Class C0". The glycine amino acid residue is found in multiple mammalian species, which suggests that this missense change does not adversely affect protein function. In summary, the available evidence is currently insufficient to determine the role of this variant in disease. Therefore, it has been classified as a Variant of Uncertain Significance.